The following is an entry in ClinVar:

ClinVar aggregate classification (germline): Likely pathogenic (1 of 4 stars; one submission).

Conditions:
Dilated cardiomyopathy 1G (CMD1G). Identifiers: Orphanet 154, MedGen C1858763, MONDO:0011400, OMIM 604145.
Autosomal recessive limb-girdle muscular dystrophy type 2J (LGMDR10). Also called: Limb-girdle muscular dystrophy, type 2J; MUSCULAR DYSTROPHY, LIMB-GIRDLE, AUTOSOMAL RECESSIVE 10. Identifiers: Orphanet 140922, MedGen C1837342, MONDO:0012127, OMIM 608807.

Submission:

Labcorp Genetics (formerly Invitae), Labcorp
Classification: Likely pathogenic for Dilated cardiomyopathy 1G; Autosomal recessive limb-girdle muscular dystrophy type 2J. Last evaluated: 2021-04-14. Review status: criteria provided, single submitter. Criteria: Invitae Variant Classification Sherloc (09022015). Collection method: clinical testing. Allele origin: germline.
Comment: This sequence change creates a premature translational stop signal (p.Tyr26889Leufs*11) in the TTN gene. While this is not anticipated to result in nonsense mediated decay, it is expected to create a truncated TTN protein. In summary, the currently available evidence indicates that the variant is pathogenic, but additional data are needed to prove that conclusively. Therefore, this variant has been classified as Likely Pathogenic. This variant is located in the A band of TTN (PMID: 25589632). Truncating variants in this region are significantly overrepresented in patients affected with dilated cardiomyopathy (PMID: 25589632). Truncating variants in this region have also been reported in individuals affected with autosomal recessive centronuclear myopathy (PMID: 23975875). This variant has not been reported in the literature in individuals with TTN-related conditions. This variant is not present in population databases (ExAC no frequency).

Literature cited by the submitters: PubMed 25589632; PubMed 23975875.

NM_001267550.2(TTN):c.80666del (p.Tyr26889fs)

Genes: TTN-AS1 (TTN antisense RNA 1; plus strand), TTN (titin; minus strand). Cytogenetic location: 2q31.2.
Variant type: Deletion.
Coding change: c.80666del on transcript NM_001267550.2 (MANE Select); coding-DNA position 80666, one base deleted (A; older notation c.80666delA).
Protein change: p.Tyr26889fs; shifts the reading frame from tyrosine 26889.
Molecular consequence: frameshift variant.
Genome position (GRCh38, 1-based): chr2:178,565,466, T deleted on the plus strand (A on the coding strand, the reverse complement: TTN is on the minus strand). VCF-style (leftmost placement, unchanged base first): chr2-178565465-AT-A. GRCh37 (hg19) VCF-style: chr2-179430192-AT-A.
Other names: c.75743del, p.Tyr25248fs (NM_001256850.1); c.53471del, p.Tyr17824fs (NM_003319.4); c.72962del, p.Tyr24321fs (NM_133378.4); c.53846del, p.Tyr17949fs (NM_133432.3); c.54047del, p.Tyr18016fs (NM_133437.4); short protein forms Y26889fs, Y17824fs, Y18016fs, Y25248fs, Y24321fs, Y17949fs.
Identifiers: ClinVar variation 1508654 (VCV001508654.8), dbSNP rs2154164836, ClinGen allele CA2573134169.